The following is an entry in ClinVar:

ClinVar aggregate classification (germline): Uncertain significance. Review status: criteria provided, multiple submitters, no conflicts (2 of 4 stars). 3 submissions from 3 submitters: Uncertain significance (3). Last evaluated 2025-07-08.

Conditions:
ZNF469-related disorder. Also called: ZNF469-related condition.
Cardiovascular phenotype. Identifiers: MedGen CN230736.

Allele frequency attached by ClinVar (database versions not stated): gnomAD exomes below 0.00001 and 0.00004; ExAC 0.00005; gnomAD 0.00006 and 0.00008; TOPMed 0.00011.
gnomAD v4.1: 24 of 1,549,610 alleles (0.0015%); highest among the groups gnomAD compares: Admixed American, 0.024%; no homozygotes.

Submissions (3):

PreventionGenetics, part of Exact Sciences
Classification: Uncertain significance for ZNF469-related condition. Last evaluated: 2025-07-08. Review status: criteria provided, single submitter. Criteria: ACMG Guidelines, 2015. Collection method: clinical testing. Allele origin: germline.
Comment: The ZNF469 c.4352G>A variant is predicted to result in the amino acid substitution p.Gly1451Asp. To our knowledge, this variant has not been reported in the literature. This variant is reported in 0.020% of alleles in individuals of Latino descent in gnomAD. At this time, the clinical significance of this variant is uncertain due to the absence of conclusive functional and genetic evidence.

Ambry Genetics
Classification: Uncertain significance for Cardiovascular phenotype. Last evaluated: 2024-03-04. Review status: criteria provided, single submitter. Criteria: Ambry Variant Classification Scheme 2023. Collection method: clinical testing. Allele origin: germline.
Comment: The p.G1451D variant (also known as c.4352G>A), located in coding exon 2 of the ZNF469 gene, results from a G to A substitution at nucleotide position 4352. The glycine at codon 1451 is replaced by aspartic acid, an amino acid with similar properties. This amino acid position is conserved. In addition, this alteration is predicted to be tolerated by in silico analysis. Based on the available evidence, the clinical significance of this alteration remains unclear.

Labcorp Genetics (formerly Invitae), Labcorp
Classification: Uncertain significance. Last evaluated: 2021-08-14. Review status: criteria provided, single submitter. Criteria: Invitae Variant Classification Sherloc (09022015). Collection method: clinical testing. Allele origin: germline.
Comment: This sequence change replaces glycine with aspartic acid at codon 1451 of the ZNF469 protein (p.Gly1451Asp). The glycine residue is weakly conserved and there is a moderate physicochemical difference between glycine and aspartic acid. This variant is present in population databases (rs750038143, ExAC 0.2%). This variant has not been reported in the literature in individuals affected with ZNF469-related conditions. Algorithms developed to predict the effect of missense changes on protein structure and function (SIFT, PolyPhen-2, Align-GVGD) all suggest that this variant is likely to be tolerated. In summary, the available evidence is currently insufficient to determine the role of this variant in disease. Therefore, it has been classified as a Variant of Uncertain Significance.

NM_001367624.2(ZNF469):c.4436G>A (p.Gly1479Asp)

Gene: ZNF469 (zinc finger protein 469; plus strand). Cytogenetic location: 16q24.2.
Variant type: single nucleotide variant.
Coding change: c.4436G>A on transcript NM_001367624.2 (MANE Select); coding-DNA position 4436, G replaced by A.
Protein change: p.Gly1479Asp; replaces glycine 1479 with aspartic acid.
Molecular consequence: missense variant.
Genome position (GRCh38, 1-based): chr16:88,431,906, G>A. VCF-style: chr16-88431906-G-A. GRCh37 (hg19) VCF-style: chr16-88498314-G-A.
Other names: NM_001127464.1:c.4352G>A; NM_001127464.2:c.4352G>A; short protein forms G1479D.
Identifiers: ClinVar variation 1525834 (VCV001525834.7), dbSNP rs750038143, ClinGen allele CA8224957.